The following is an entry in ClinVar:

NM_002427.4(MMP13):c.120+1G>A

Genes: MMP13 (matrix metallopeptidase 13; minus strand), LOC126861318 (BRD4-independent group 4 enhancer GRCh37_chr11:102825894-102827093; plus strand). Cytogenetic location: 11q22.2.
Variant type: single nucleotide variant.
Coding change: c.120+1G>A on transcript NM_002427.4 (MANE Select); the canonical splice donor site of the intron after coding-DNA position 120, G replaced by A.
Molecular consequence: splice donor variant.
Genome position (GRCh38, 1-based): chr11:102,955,585, C>T on the plus strand (G>A on the coding strand, the complement: MMP13 is on the minus strand). VCF-style: chr11-102955585-C-T. GRCh37 (hg19) VCF-style: chr11-102826314-C-T.
Identifiers: ClinVar variation 1471560 (VCV001471560.6), dbSNP rs2134523525, ClinGen allele CA382233486.
Genomic context (GRCh38, chr11:102,955,585, plus strand): 5'-AAAGAGAAGGACATTTCTGAGATGTACCAACCGCATCATCAGGATTGGCAAGATACTCTA[C>T]CTCTGCAAACTGGAGGTCTTCCTCAGACAAATCATCTTCATCACCACCACTGGGAAGGGG-3'

ClinVar aggregate classification (germline): Likely pathogenic (1 of 4 stars; one submission).

Allele frequency attached by ClinVar (database versions not stated): gnomAD exomes below 0.00001.
gnomAD v4.1: 1 of 1,614,016 alleles (0.000062%); highest among the groups gnomAD compares: Non-Finnish European, 0.000085%; no homozygotes.

Submission:

Labcorp Genetics (formerly Invitae), Labcorp
Classification: Likely pathogenic. Last evaluated: 2021-06-25. Review status: criteria provided, single submitter. Criteria: Invitae Variant Classification Sherloc (09022015). Collection method: clinical testing. Allele origin: germline.
Comment: In summary, the currently available evidence indicates that the variant is pathogenic, but additional data are needed to prove that conclusively. Therefore, this variant has been classified as Likely Pathogenic. Algorithms developed to predict the effect of sequence changes on RNA splicing suggest that this variant may disrupt the consensus splice site. This variant has not been reported in the literature in individuals affected with MMP13-related conditions. This variant is not present in population databases (ExAC no frequency). This sequence change affects a donor splice site in intron 1 of the MMP13 gene. It is expected to disrupt RNA splicing. Variants that disrupt the donor or acceptor splice site typically lead to a loss of protein function (PMID: 16199547), and loss-of-function variants in MMP13 are known to be pathogenic (PMID: 24781753, 31413057).

Literature cited by the submitters: PubMed 16199547; PubMed 24781753; PubMed 31413057.